The following is an entry in ClinVar:

NM_001080.3(ALDH5A1):c.1402+7G>A

Gene: ALDH5A1 (aldehyde dehydrogenase 5 family member A1; plus strand). Cytogenetic location: 6p22.3.
Variant type: single nucleotide variant.
Coding change: c.1402+7G>A on transcript NM_001080.3 (MANE Select); 7 bases into the intron after coding-DNA position 1402, G replaced by A.
Molecular consequence: intron variant.
Genome position (GRCh38, 1-based): chr6:24,532,184, G>A. VCF-style: chr6-24532184-G-A. GRCh37 (hg19) VCF-style: chr6-24532412-G-A.
Other names: p.?; c.1441+7G>A (NM_170740.1); c.1258+7G>A (NM_001368954.1).
Identifiers: ClinVar variation 356142 (VCV000356142.15), dbSNP rs12211574, ClinGen allele CA3656936.

ClinVar aggregate classification (germline): Benign. Review status: criteria provided, multiple submitters, no conflicts (2 of 4 stars). 4 submissions from 4 submitters: Benign (4). Last evaluated 2026-02-03.

Conditions:
Succinate-semialdehyde dehydrogenase deficiency (SSADHD). Also called: Succinic Semialdehyde Dehydrogenase Deficiency; 4-HYDROXYBUTYRIC ACIDURIA; GABA METABOLIC DEFECT; SSADH DEFICIENCY. Identifiers: Orphanet 22, MedGen C0268631, MONDO:0010083, OMIM 271980.

Allele frequency attached by ClinVar (database versions not stated): 1000 Genomes Project 30x 0.04950; 1000 Genomes Project 0.05072; TOPMed 0.06474; gnomAD 0.07005 and 0.07141; ESP Exome Variant Server 0.07812; gnomAD exomes 0.07898 and 0.09598; ExAC 0.08081.
gnomAD v4.1: 150,037 of 1,612,462 alleles (9.3%); highest among the groups gnomAD compares: Non-Finnish European, 10%; 7,913 homozygotes.

Submissions (4):

Labcorp Genetics (formerly Invitae), Labcorp
Classification: Benign for Succinate-semialdehyde dehydrogenase deficiency. Last evaluated: 2026-02-03. Review status: criteria provided, single submitter. Criteria: Invitae Variant Classification Sherloc (09022015). Collection method: clinical testing. Allele origin: germline.

Mayo Clinic Laboratories, Mayo Clinic
Classification: Benign. Last evaluated: 2022-04-26. Review status: criteria provided, single submitter. Criteria: ACMG Guidelines, 2015. Collection method: clinical testing. Allele origin: germline. Observed: 126 variant alleles.

GeneDx
Classification: Benign. Last evaluated: 2018-07-15. Review status: criteria provided, single submitter. Criteria: GeneDx Variant Classification Process June 2021. Collection method: clinical testing. Allele origin: germline. Affected: yes.

Illumina Laboratory Services, Illumina
Classification: Benign for Succinate-semialdehyde dehydrogenase deficiency. Last evaluated: 2018-01-12. Review status: criteria provided, single submitter. Criteria: ICSL Variant Classification Criteria 13 December 2019. Collection method: clinical testing. Allele origin: germline.
Comment: This variant was observed in the ICSL laboratory as part of a predisposition screen in an ostensibly healthy population. It had not been previously curated by ICSL or reported in the Human Gene Mutation Database (HGMD: prior to June 1st, 2018), and was therefore a candidate for classification through an automated scoring system. Utilizing variant allele frequency, disease prevalence and penetrance estimates, and inheritance mode, an automated score was calculated to assess if this variant is too frequent to cause the disease. Based on the score and internal cut-off values, a variant classified as benign is not then subjected to further curation. The score for this variant resulted in a classification of benign for this disease.